The following is an entry in ClinVar:

ClinVar aggregate classification (germline): Uncertain significance. Review status: criteria provided, multiple submitters, no conflicts (2 of 4 stars). 3 submissions from 3 submitters: Uncertain significance (3). Last evaluated 2023-12-25.

Conditions:
Long QT syndrome (LQTS). Identifiers: MedGen C0023976, MeSH D008133, MONDO:0002442. Disease mechanism: loss of function. Inheritance: Various modes of inheritance.
Inborn genetic diseases. Identifiers: MedGen C0950123, MeSH D030342.

Allele frequency attached by ClinVar (database versions not stated): TOPMed below 0.00001; gnomAD exomes 0.00001.
gnomAD v4.1: 12 of 1,600,094 alleles (0.00075%); highest among the groups gnomAD compares: South Asian, 0.0011%; no homozygotes.

Submissions (3):

Labcorp Genetics (formerly Invitae), Labcorp
Classification: Uncertain significance for Long QT syndrome. Last evaluated: 2023-12-25. Review status: criteria provided, single submitter. Criteria: Invitae Variant Classification Sherloc (09022015). Collection method: clinical testing. Allele origin: germline.
Comment: This sequence change replaces arginine, which is basic and polar, with glutamine, which is neutral and polar, at codon 462 of the CACNA1C protein (p.Arg462Gln). This variant is not present in population databases (gnomAD no frequency). This variant has not been reported in the literature in individuals affected with CACNA1C-related conditions. ClinVar contains an entry for this variant (Variation ID: 199036). Advanced modeling of protein sequence and biophysical properties (such as structural, functional, and spatial information, amino acid conservation, physicochemical variation, residue mobility, and thermodynamic stability) has been performed at Invitae for this missense variant, however the output from this modeling did not meet the statistical confidence thresholds required to predict the impact of this variant on CACNA1C protein function. In summary, the available evidence is currently insufficient to determine the role of this variant in disease. Therefore, it has been classified as a Variant of Uncertain Significance.

Ambry Genetics
Classification: Uncertain significance for Inborn genetic diseases. Last evaluated: 2019-03-19. Review status: criteria provided, single submitter. Criteria: Ambry exome assertion method (8-5-2015). Collection method: clinical testing. Allele origin: germline. Affected: yes. Observed: 1 variant allele.

Eurofins Ntd Llc (ga)
Classification: Uncertain significance. Last evaluated: 2015-03-04. Review status: criteria provided, single submitter. Criteria: EGL Classification Definitions 2015. Collection method: clinical testing. Allele origin: germline. Observed: 1 variant allele, 1 heterozygote.

NM_000719.7(CACNA1C):c.1385G>A (p.Arg462Gln)

Gene: CACNA1C (calcium voltage-gated channel subunit alpha1 C; plus strand). Cytogenetic location: 12p13.33.
Variant type: single nucleotide variant.
Coding change: c.1385G>A on transcript NM_000719.7 (MANE Select); coding-DNA position 1385, G replaced by A.
Protein change: p.Arg462Gln; replaces arginine 462 with glutamine.
Molecular consequence: missense variant.
Genome position (GRCh38, 1-based): chr12:2,512,979, G>A. VCF-style: chr12-2512979-G-A. GRCh37 (hg19) VCF-style: chr12-2622145-G-A.
Other names: c.1385G>A, p.Arg462Gln (NM_001129827.2, NM_001129829.2, NM_001129830.3 and 18 more transcripts); c.1376G>A, p.Arg459Gln (NM_001129844.2); short protein forms R462Q, R459Q.
Identifiers: ClinVar variation 199036 (VCV000199036.13), dbSNP rs794727961, ClinGen allele CA248008.